The following is an entry in ClinVar:

NM_024426.6(WT1):c.25C>A (p.Pro9Thr)

Genes: WT1 (WT1 transcription factor; minus strand), LOC107982234 (WT1/WT1-AS bi-directional promoter region; plus strand). Cytogenetic location: 11p13.
Variant type: single nucleotide variant.
Coding change: c.25C>A on transcript NM_024426.6 (MANE Select); coding-DNA position 25, C replaced by A.
Protein change: p.Pro9Thr; replaces proline 9 with threonine.
Molecular consequence: missense variant. On other transcripts: non-coding transcript variant (1).
Genome position (GRCh38, 1-based): chr11:32,435,336, G>T on the plus strand (C>A on the coding strand, the complement: WT1 is on the minus strand). VCF-style: chr11-32435336-G-T. GRCh37 (hg19) VCF-style: chr11-32456882-G-T.
Other names: c.25C>A, p.Pro9Thr (NM_000378.6, NM_024424.5); short protein forms P9T.
Identifiers: ClinVar variation 849084 (VCV000849084.8), dbSNP rs1314273962, ClinGen allele CA379966543.

ClinVar aggregate classification (germline): Uncertain significance. Review status: criteria provided, multiple submitters, no conflicts (2 of 4 stars). 2 submissions from 2 submitters: Uncertain significance (2). Last evaluated 2026-07-06.

Conditions:
Inborn genetic diseases. Identifiers: MedGen C0950123, MeSH D030342.
Wilms tumor 1 (WT1). Also called: Wilms tumor, somatic. Identifiers: Orphanet 654, MedGen CN033288, MONDO:0008679, OMIM 194070.
11p partial monosomy syndrome (WAGR). Also called: WAGR syndrome; CHROMOSOME 11p13 DELETION SYNDROME; WAGR Complex; WAGR Spectrum Disorder. Identifiers: Orphanet 893, MedGen C0206115, MONDO:0008681, OMIM 194072.
Frasier syndrome. Identifiers: Orphanet 347, MedGen C0950122, MeSH D052159, MONDO:0007635, OMIM 136680.
Drash syndrome (DDS). Also called: WILMS TUMOR AND PSEUDO- OR TRUE HERMAPHRODITISM; NEPHROPATHY, WILMS TUMOR, AND GENITAL ANOMALIES. Identifiers: Orphanet 220, MedGen C0950121, MONDO:0008682, OMIM 194080.

Allele frequency attached by ClinVar (database versions not stated): gnomAD exomes 0.00002; gnomAD 0.00001 and below 0.00001.
gnomAD v4.1: 12 of 1,531,988 alleles (0.00078%); highest among the groups gnomAD compares: South Asian, 0.014%; 1 homozygote.

Submissions (2):

Ambry Genetics
Classification: Uncertain significance for Inborn genetic diseases. Last evaluated: 2026-07-06. Review status: criteria provided, single submitter. Criteria: Ambry Variant Classification Scheme 2023. Collection method: clinical testing. Allele origin: germline.
Comment: The p.P4T variant (also known as c.10C>A), located in coding exon 1 of the WT1 gene, results from a C to A substitution at nucleotide position 10. The proline at codon 4 is replaced by threonine, an amino acid with highly similar properties. This amino acid position is conserved. In addition, this alteration is predicted to be tolerated by in silico analysis. Based on the available evidence, the clinical significance of this variant remains unclear.

Labcorp Genetics (formerly Invitae), Labcorp
Classification: Uncertain significance for Wilms tumor 1; Drash syndrome; 11p partial monosomy syndrome; Frasier syndrome. Last evaluated: 2021-10-06. Review status: criteria provided, single submitter. Criteria: Invitae Variant Classification Sherloc (09022015). Collection method: clinical testing. Allele origin: germline.
Comment: In summary, the available evidence is currently insufficient to determine the role of this variant in disease. Therefore, it has been classified as a Variant of Uncertain Significance. Algorithms developed to predict the effect of missense changes on protein structure and function (SIFT, PolyPhen-2, Align-GVGD) all suggest that this variant is likely to be tolerated. This variant has not been reported in the literature in individuals affected with WT1-related conditions. The frequency data for this variant in the population databases is considered unreliable, as metrics indicate insufficient coverage at this position in the ExAC database. This sequence change replaces proline with threonine at codon 4 of the WT1 protein (p.Pro4Thr). The proline residue is weakly conserved and there is a small physicochemical difference between proline and threonine.